The following is an entry in ClinVar:

ClinVar aggregate classification (germline): Likely benign (1 of 4 stars; one submission).

Conditions:
F12-related disorder. Also called: F12-related condition; F12-related disorders. Identifiers: MedGen CN239389.

Submission:

PreventionGenetics, part of Exact Sciences
Classification: Likely benign for F12-related condition. Last evaluated: 2026-08-25. Review status: criteria provided, single submitter. Criteria: ACMG Guidelines, 2015. Collection method: clinical testing. Allele origin: germline.
Comment: This variant is classified as likely benign based on ACMG/AMP sequence variant interpretation guidelines (Richards et al. 2015 PMID: 25741868, with internal and published modifications).

NM_000505.4(F12):c.1602C>T (p.Ala534=)

Gene: F12 (coagulation factor XII; minus strand). Cytogenetic location: 5q35.3.
Variant type: single nucleotide variant.
Coding change: c.1602C>T on transcript NM_000505.4 (MANE Select); coding-DNA position 1602, C replaced by T.
Protein change: p.Ala534=; no amino-acid change (alanine 534 retained).
Molecular consequence: synonymous variant.
Genome position (GRCh38, 1-based): chr5:177,402,628, G>A on the plus strand (C>T on the coding strand, the complement: F12 is on the minus strand). VCF-style: chr5-177402628-G-A. GRCh37 (hg19) VCF-style: chr5-176829629-G-A.
Identifiers: ClinVar variation 4984933 (VCV004984933.1).